The following is an entry in ClinVar:

NM_032043.3(BRIP1):c.3442G>T (p.Asp1148Tyr)

Gene: BRIP1 (BRCA1 interacting DNA helicase 1; minus strand). Cytogenetic location: 17q23.2.
Variant type: single nucleotide variant.
Coding change: c.3442G>T on transcript NM_032043.3 (MANE Select); coding-DNA position 3442, G replaced by T.
Protein change: p.Asp1148Tyr; replaces aspartic acid 1148 with tyrosine.
Molecular consequence: missense variant.
Genome position (GRCh38, 1-based): chr17:61,683,604, C>A on the plus strand (G>T on the coding strand, the complement: BRIP1 is on the minus strand). VCF-style: chr17-61683604-C-A. GRCh37 (hg19) VCF-style: chr17-59760965-C-A.
Other names: short protein forms D1148Y.
Identifiers: ClinVar variation 4630967 (VCV004630967.1).

ClinVar aggregate classification (germline): Uncertain significance (1 of 4 stars; one submission).

Conditions:
Hereditary cancer-predisposing syndrome. Also called: Neoplastic Syndromes, Hereditary; Tumor predisposition; Hereditary Cancer Syndrome; Hereditary neoplastic syndrome. Identifiers: Orphanet 140162, MedGen C0027672, MeSH D009386, MONDO:0015356.

gnomAD v4.1: 1 of 1,612,146 alleles (0.000062%); highest among the groups gnomAD compares: South Asian, 0.0011%; no homozygotes.

Submission:

Ambry Genetics
Classification: Uncertain significance for Hereditary cancer-predisposing syndrome. Last evaluated: 2025-10-17. Review status: criteria provided, single submitter. Criteria: Ambry Variant Classification Scheme 2023. Collection method: clinical testing. Allele origin: germline.
Comment: The p.D1148Y variant (also known as c.3442G>T), located in coding exon 19 of the BRIP1 gene, results from a G to T substitution at nucleotide position 3442. The aspartic acid at codon 1148 is replaced by tyrosine, an amino acid with highly dissimilar properties. This amino acid position is conserved. In addition, this alteration is predicted to be tolerated by in silico analysis. Based on the available evidence, the clinical significance of this variant remains unclear.